The following is an entry in ClinVar:

ClinVar aggregate classification (germline): Uncertain significance (1 of 4 stars; one submission).

Conditions:
Angelman syndrome-like. Identifiers: MedGen CN128785.
Developmental and epileptic encephalopathy, 2 (DEE2). Also called: INFANTILE SPASM SYNDROME, X-LINKED 2; CDKL5 deficiency disorder. Identifiers: Orphanet 1934, Orphanet 3451, Orphanet 505652, MedGen C4750718, MONDO:0010396, OMIM 300672.

Submission:

Labcorp Genetics (formerly Invitae), Labcorp
Classification: Uncertain significance for Developmental and epileptic encephalopathy, 2; Angelman syndrome-like. Last evaluated: 2021-02-28. Review status: criteria provided, single submitter. Criteria: Invitae Variant Classification Sherloc (09022015). Collection method: clinical testing. Allele origin: germline.
Comment: In summary, the available evidence is currently insufficient to determine the role of this variant in disease. Therefore, it has been classified as a Variant of Uncertain Significance. Algorithms developed to predict the effect of missense changes on protein structure and function are either unavailable or do not agree on the potential impact of this missense change (SIFT: "Deleterious"; PolyPhen-2: "Possibly Damaging"; Align-GVGD: "Class C0"). This variant has not been reported in the literature in individuals with CDKL5-related conditions. This variant is not present in population databases (ExAC no frequency). This sequence change replaces tyrosine with asparagine at codon 286 of the CDKL5 protein (p.Tyr286Asn). The tyrosine residue is moderately conserved and there is a large physicochemical difference between tyrosine and asparagine.

NM_001323289.2(CDKL5):c.856T>A (p.Tyr286Asn)

Gene: CDKL5 (cyclin dependent kinase like 5; plus strand). Cytogenetic location: Xp22.13.
Variant type: single nucleotide variant.
Coding change: c.856T>A on transcript NM_001323289.2 (MANE Select); coding-DNA position 856, T replaced by A.
Protein change: p.Tyr286Asn; replaces tyrosine 286 with asparagine.
Molecular consequence: missense variant.
Genome position (GRCh38, 1-based): chrX:18,598,492, T>A. VCF-style: chrX-18598492-T-A. GRCh37 (hg19) VCF-style: chrX-18616612-T-A.
Other names: c.856T>A, p.Tyr286Asn (NM_001037343.2, NM_003159.3); short protein forms Y286N.
Identifiers: ClinVar variation 1376161 (VCV001376161.8), dbSNP rs2147156130, ClinGen allele CA412355784.